The following is an entry in ClinVar:

ClinVar aggregate classification (germline): Likely pathogenic (1 of 4 stars; one submission).

Conditions:
Hypogonadotropic hypogonadism 2 with or without anosmia (HH2). Also called: FGFR1-Related GnRH Deficiency (Kallmann Syndrome 2); HYPOGONADOTROPIC HYPOGONADISM 2 WITHOUT ANOSMIA; HYPOGONADOTROPIC HYPOGONADISM 2 WITH OR WITHOUT ANOSMIA, SUSCEPTIBILITY TO; HYPOGONADOTROPIC HYPOGONADISM 2 WITHOUT ANOSMIA, SUSCEPTIBILITY TO. Identifiers: Orphanet 478, MedGen C1563720, MONDO:0007844, OMIM 147950. Disease mechanism: loss of function.

Submission:

Reproductive Endocrine Unit, Massachusetts General Hospital
Classification: Likely pathogenic for Hypogonadotropic hypogonadism 2 with or without anosmia. Last evaluated: 2023-05-04. Review status: criteria provided, single submitter. Criteria: ACMG Guidelines, 2015. Collection method: research. Allele origin: inherited. Affected: yes. Observed: 1 variant allele.
Comment: The variant has been classified as LP2 based on the variant meeting the following ACMG Criteria: PS3,PM2,PP3,PP2.

NM_023110.3(FGFR1):c.2165C>A (p.Pro722His)

Gene: FGFR1 (fibroblast growth factor receptor 1; minus strand). Cytogenetic location: 8p11.23.
Variant type: single nucleotide variant.
Coding change: c.2165C>A on transcript NM_023110.3 (MANE Select); coding-DNA position 2165, C replaced by A.
Protein change: p.Pro722His; replaces proline 722 with histidine.
Molecular consequence: missense variant.
Genome position (GRCh38, 1-based): chr8:38,414,173, G>T on the plus strand (C>A on the coding strand, the complement: FGFR1 is on the minus strand). VCF-style: chr8-38414173-G-T. GRCh37 (hg19) VCF-style: chr8-38271691-G-T.
Other names: c.2159C>A, p.Pro720His (NM_001174063.2, NM_001174065.2, NM_001354367.2 and 1 more transcripts); c.2135C>A, p.Pro712His (NM_001174064.2); c.1898C>A, p.Pro633His (NM_001174066.2, NM_023105.3); c.2258C>A, p.Pro753His (NM_001174067.2); c.1886C>A, p.Pro629His (NM_001354368.2); c.2153C>A, p.Pro718His (NM_001354369.2); c.1892C>A, p.Pro631His (NM_001354370.2, NM_023106.3); c.2165C>A (NM_023110.2); short protein forms P722H, P629H, P753H, P633H, P712H, P718H, P720H, P631H.
Identifiers: ClinVar variation 242777 (VCV000242777.2), dbSNP rs267606805, ClinGen allele CA045363.